The following is an entry in ClinVar:

ClinVar aggregate classification (germline): Benign. Review status: criteria provided, multiple submitters, no conflicts (2 of 4 stars). 7 submissions from 4 submitters: Benign (7). Last evaluated 2021-07-14.

Conditions:
Autosomal recessive complex spastic paraplegia type 9B. Also called: Spastic paraplegia 9b, autosomal recessive. Identifiers: Orphanet 447760, MedGen C5568980, MONDO:0014702, OMIM 616586.
Hereditary spastic paraplegia 9A. Also called: SPASTIC PARAPARESIS WITH AMYOTROPHY, CATARACTS, AND GASTROESOPHAGEAL REFLUX; SPASTIC PARAPLEGIA 9A, AUTOSOMAL DOMINANT; CATARACTS WITH MOTOR NEURONOPATHY, SHORT STATURE, AND SKELETAL ABNORMALITIES. Identifiers: Orphanet 100990, Orphanet 447753, MedGen C5568978, MONDO:0011006, OMIM 601162.
Cutis laxa, autosomal dominant 3 (ADCL3). Identifiers: Orphanet 90348, MedGen C4225268, MONDO:0014706, OMIM 616603.
ALDH18A1-related de Barsy syndrome. Also called: Cutis laxa, autosomal recessive IIIA; DE BARSY SYNDROME A. Identifiers: Orphanet 2962, Orphanet 35664, MedGen C5234852, MONDO:0009053, OMIM 219150.

Allele frequency attached by ClinVar (database versions not stated): 1000 Genomes Project 0.64257; gnomAD 0.66239 and 0.66221; TOPMed 0.66508; gnomAD exomes 0.68845; ExAC 0.68616; 1000 Genomes Project 30x 0.64772; ESP Exome Variant Server 0.66669.
gnomAD v4.1: 1,128,965 of 1,611,086 alleles (70%); highest among the groups gnomAD compares: Non-Finnish European, 72%; 397,402 homozygotes.

Submissions (7):

Genome-Nilou Lab
Classification: Benign for Cutis laxa, autosomal dominant 3. Last evaluated: 2021-07-14. Review status: criteria provided, single submitter. Criteria: ACMG Guidelines, 2015. Collection method: clinical testing. Allele origin: germline. Affected: no.

Genome-Nilou Lab
Classification: Benign for ALDH18A1-related de Barsy syndrome. Last evaluated: 2021-07-14. Review status: criteria provided, single submitter. Criteria: ACMG Guidelines, 2015. Collection method: clinical testing. Allele origin: germline. Affected: no.

Genome-Nilou Lab
Classification: Benign for Hereditary spastic paraplegia 9A. Last evaluated: 2021-07-14. Review status: criteria provided, single submitter. Criteria: ACMG Guidelines, 2015. Collection method: clinical testing. Allele origin: germline. Affected: no.

Genome-Nilou Lab
Classification: Benign for Autosomal recessive complex spastic paraplegia type 9B. Last evaluated: 2021-07-14. Review status: criteria provided, single submitter. Criteria: ACMG Guidelines, 2015. Collection method: clinical testing. Allele origin: germline. Affected: no.

GeneDx
Classification: Benign. Last evaluated: 2018-06-14. Review status: criteria provided, single submitter. Criteria: GeneDx Variant Classification (06012015). Collection method: clinical testing. Allele origin: germline. Affected: yes.
Comment: This variant is considered likely benign or benign based on one or more of the following criteria: it is a conservative change, it occurs at a poorly conserved position in the protein, it is predicted to be benign by multiple in silico algorithms, and/or has population frequency not consistent with disease.

Breakthrough Genomics
Classification: Benign. Review status: criteria provided, single submitter. Criteria: ACMG Guidelines, 2015. Collection method: not provided. Allele origin: germline. Inheritance: Autosomal recessive inheritance. Affected: yes.

PreventionGenetics, part of Exact Sciences
Classification: Benign. Review status: criteria provided, single submitter. Criteria: ACMG Guidelines, 2015. Collection method: clinical testing. Allele origin: germline.

NM_002860.4(ALDH18A1):c.304-34A>G

Gene: ALDH18A1 (aldehyde dehydrogenase 18 family member A1; minus strand). Cytogenetic location: 10q24.1.
Variant type: single nucleotide variant.
Coding change: c.304-34A>G on transcript NM_002860.4 (MANE Select); 34 bases into the intron before coding-DNA position 304, A replaced by G.
Molecular consequence: intron variant.
Genome position (GRCh38, 1-based): chr10:95,637,470, T>C on the plus strand (A>G on the coding strand, the complement: ALDH18A1 is on the minus strand). VCF-style: chr10-95637470-T-C. GRCh37 (hg19) VCF-style: chr10-97397227-T-C.
Other names: c.-78-3821A>G (NM_001323419.2); c.-30-34A>G (NM_001323412.2, NM_001323418.2, NM_001323416.2); c.304-34A>G (NM_001323417.2, NM_001017423.2, NM_001323415.2 and 2 more transcripts).
Identifiers: ClinVar variation 258826 (VCV000258826.6), dbSNP rs2275273, ClinGen allele CA5620630.